The following is an entry in ClinVar:

ClinVar aggregate classification (germline): Benign/Likely benign. Review status: criteria provided, multiple submitters, no conflicts (2 of 4 stars). 7 submissions from 7 submitters: Benign (3); Likely benign (3). 1 of the submissions does not count toward it. Last evaluated 2026-02-04.

Conditions:
Donnai-Barrow syndrome. Also called: DBS/FOAR SYNDROME; FACIOOCULOACOUSTICORENAL SYNDROME. Identifiers: Orphanet 2143, MedGen C1857277, MONDO:0009104, OMIM 222448.

Allele frequency attached by ClinVar (database versions not stated): gnomAD exomes 0.00115 and 0.00251; ExAC 0.00298; 1000 Genomes Project 0.00879; 1000 Genomes Project 30x 0.00921; gnomAD 0.00969 and 0.01045; ESP Exome Variant Server 0.01053; TOPMed 0.01079.
gnomAD v4.1: 3,212 of 1,614,164 alleles (0.2%); highest among the groups gnomAD compares: African/African-American, 3.4%; 51 homozygotes.

Submissions (7):

Labcorp Genetics (formerly Invitae), Labcorp
Classification: Benign. Last evaluated: 2026-02-04. Review status: criteria provided, single submitter. Criteria: Invitae Variant Classification Sherloc (09022015). Collection method: clinical testing. Allele origin: germline.

GeneDx
Classification: Likely benign. Last evaluated: 2024-10-03. Review status: criteria provided, single submitter. Criteria: GeneDx Variant Classification Process June 2021. Collection method: clinical testing. Allele origin: germline. Affected: yes.
Comment: See Variant Classification Assertion Criteria.

Genome-Nilou Lab
Classification: Benign for Donnai-Barrow syndrome. Last evaluated: 2021-07-15. Review status: criteria provided, single submitter. Criteria: ACMG Guidelines, 2015. Collection method: clinical testing. Allele origin: germline. Affected: no.

Illumina Laboratory Services, Illumina
Classification: Benign for Donnai-Barrow syndrome. Last evaluated: 2017-04-27. Review status: criteria provided, single submitter. Criteria: ICSL Variant Classification Criteria 13 December 2019. Collection method: clinical testing. Allele origin: germline.
Comment: This variant was observed as part of a predisposition screen in an ostensibly healthy population. A literature search was performed for the gene, cDNA change, and amino acid change (where applicable). No publications were found based on this search. Allele frequency data from public databases was too high to be consistent with this variant causing disease. Therefore, this variant is classified as benign.

Center for Pediatric Genomic Medicine, Children's Mercy Hospital and Clinics
Classification: Likely benign. Last evaluated: 2017-02-27. Review status: criteria provided, single submitter. Criteria: ACMG Guidelines, 2015. Collection method: clinical testing. Allele origin: germline.

Breakthrough Genomics
Classification: Likely benign. Review status: criteria provided, single submitter. Criteria: ACMG Guidelines, 2015. Collection method: not provided. Allele origin: germline. Inheritance: Autosomal recessive inheritance. Affected: yes.

Genetic Services Laboratory, University of Chicago
Classification: Likely benign for AllHighlyPenetrant. Review status: no assertion criteria provided. Collection method: clinical testing. Allele origin: germline. Inheritance: Autosomal recessive inheritance. Not counted in ClinVar's aggregate classification.
Comment: Likely benign based on allele frequency in 1000 Genomes Project or ESP global frequency and its presence in a patient with a rare or unrelated disease phenotype. NOT Sanger confirmed.

NM_004525.3(LRP2):c.10804G>A (p.Ala3602Thr)

Gene: LRP2 (LDL receptor related protein 2; minus strand). Cytogenetic location: 2q31.1.
Variant type: single nucleotide variant.
Coding change: c.10804G>A on transcript NM_004525.3 (MANE Select); coding-DNA position 10804, G replaced by A.
Protein change: p.Ala3602Thr; replaces alanine 3602 with threonine.
Molecular consequence: missense variant.
Genome position (GRCh38, 1-based): chr2:169,174,129, C>T on the plus strand (G>A on the coding strand, the complement: LRP2 is on the minus strand). VCF-style: chr2-169174129-C-T. GRCh37 (hg19) VCF-style: chr2-170030639-C-T.
Other names: short protein forms A3602T.
Identifiers: ClinVar variation 129491 (VCV000129491.23), dbSNP rs144081819, ClinGen allele CA153537.
Genomic context (GRCh38, chr2:169,174,129, plus strand): 5'-TATCCTCACAGTCGTTAAATGTGTCACACTGCCAGGATTCTGGGATGCAACGTTTGTTGG[C>T]GCACTGCCATTCATTGGAGTCACAGTGGTGATTCTCTGAGAGCAGGGACATTTGGTTATC-3'
Protein context (NP_004516.2, residues 3592-3612): HHCDSNEWQC[Ala3602Thr]NKRCIPESWQ